The following is an entry in ClinVar:

NM_177550.5(SLC13A5):c.1438-3C>A

Gene: SLC13A5 (solute carrier family 13 member 5; minus strand). Cytogenetic location: 17p13.1.
Variant type: single nucleotide variant.
Coding change: c.1438-3C>A on transcript NM_177550.5 (MANE Select); 3 bases into the intron before coding-DNA position 1438, C replaced by A.
Molecular consequence: intron variant.
Genome position (GRCh38, 1-based): chr17:6,687,669, G>T on the plus strand (C>A on the coding strand, the complement: SLC13A5 is on the minus strand). VCF-style: chr17-6687669-G-T. GRCh37 (hg19) VCF-style: chr17-6590988-G-T.
Other names: c.1309-3C>A (NM_001284510.2); c.1387-3C>A (NM_001284509.2); c.1438-1331C>A (NM_001143838.3).
Identifiers: ClinVar variation 2064856 (VCV002064856.4), dbSNP rs1973286161, ClinGen allele CA981127414.

ClinVar aggregate classification (germline): Uncertain significance (1 of 4 stars; one submission).

Conditions:
Developmental and epileptic encephalopathy, 25 (DEE25). Also called: Developmental and epileptic encephalopathy 25, with amelogenesis imperfecta; Epileptic encephalopathy, early infantile, 25, with amelogenesis imperfecta; Epileptic encephalopathy, early infantile, 25. Identifiers: Orphanet 442835, MedGen C4014621, MONDO:0014392, OMIM 615905.

Allele frequency attached by ClinVar (database versions not stated): gnomAD 0.00001.
gnomAD v4.1: 1 of 1,590,030 alleles (0.000063%); highest among the groups gnomAD compares: African/African-American, 0.0014%; no homozygotes.

Submission:

Labcorp Genetics (formerly Invitae), Labcorp
Classification: Uncertain significance for Developmental and epileptic encephalopathy, 25. Last evaluated: 2025-07-21. Review status: criteria provided, single submitter. Criteria: Invitae Variant Classification Sherloc (09022015). Collection method: clinical testing. Allele origin: germline.
Comment: This sequence change falls in intron 10 of the SLC13A5 gene. It does not directly change the encoded amino acid sequence of the SLC13A5 protein. It affects a nucleotide within the consensus splice site. This variant is not present in population databases (gnomAD no frequency). This variant has not been reported in the literature in individuals affected with SLC13A5-related conditions. ClinVar contains an entry for this variant (Variation ID: 2064856). Variants that disrupt the consensus splice site are a relatively common cause of aberrant splicing (PMID: 17576681, 9536098). Algorithms developed to predict the effect of sequence changes on RNA splicing suggest that this variant may disrupt the consensus splice site. In summary, the available evidence is currently insufficient to determine the role of this variant in disease. Therefore, it has been classified as a Variant of Uncertain Significance.

Literature cited by the submitters: PubMed 17576681; PubMed 9536098.